The following is an entry in ClinVar:

GRCh37/hg19 16p13.11(chr16:15125627-16291983)

Genes: ABCC1 (ATP binding cassette subfamily C member 1 (ABCC1 blood group); plus strand), ABCC6 (ATP binding cassette subfamily C member 6; minus strand), BMERB1 (bMERB domain containing 1; plus strand), CEP20 (centrosomal protein 20; minus strand), MARF1 (meiosis regulator and mRNA stability factor 1; minus strand) and 7 more. Cytogenetic location: 16p13.11.
Variant type: copy number loss.
Identifiers: ClinVar variation 625687 (VCV000625687.1).

ClinVar aggregate classification (germline): Pathogenic (1 of 4 stars; one submission).

Submission:

Baylor Genetics
Classification: Pathogenic. Last evaluated: 2018-11-01. Review status: criteria provided, single submitter. Criteria: ACMG CNV Guidelines, 2011. Collection method: clinical testing. Allele origin: germline. Observed: 5 variant alleles.
Comment: Deletions involving this region have been previously reported in patients with developmental delay, microcephaly, epilepsy, short stature, facial dysmorphism and behavioral problems [PMID: 23637818, 19843651]